The following is an entry in ClinVar:

NM_020631.6(PLEKHG5):c.292A>G (p.Lys98Glu)

Gene: PLEKHG5 (pleckstrin homology and RhoGEF domain containing G5; minus strand). Cytogenetic location: 1p36.31.
Variant type: single nucleotide variant.
Coding change: c.292A>G on transcript NM_020631.6 (MANE Select); coding-DNA position 292, A replaced by G.
Protein change: p.Lys98Glu; replaces lysine 98 with glutamic acid.
Molecular consequence: missense variant.
Genome position (GRCh38, 1-based): chr1:6,475,057, T>C on the plus strand (A>G on the coding strand, the complement: PLEKHG5 is on the minus strand). VCF-style: chr1-6475057-T-C. GRCh37 (hg19) VCF-style: chr1-6535117-T-C.
Other names: c.292A>G, p.Lys98Glu (NM_001042664.2, NM_001042665.2, NM_001265594.3 and 1 more transcripts); c.403A>G, p.Lys135Glu (NM_001265592.2, NM_001042663.3); c.499A>G, p.Lys167Glu (NM_001265593.2); short protein forms K135E, K98E, K167E.
Identifiers: ClinVar variation 1419412 (VCV001419412.6), dbSNP rs770771316, ClinGen allele CA338139891.

ClinVar aggregate classification (germline): Uncertain significance. Review status: criteria provided, multiple submitters, no conflicts (2 of 4 stars). 2 submissions from 2 submitters: Uncertain significance (2). Last evaluated 2025-08-22.

Conditions:
Inborn genetic diseases. Identifiers: MedGen C0950123, MeSH D030342.
Charcot-Marie-Tooth disease recessive intermediate C. Also called: CHARCOT-MARIE-TOOTH NEUROPATHY, RECESSIVE INTERMEDIATE C. Identifiers: Orphanet 369867, MedGen C3809309, MONDO:0014154, OMIM 615376.
Neuronopathy, distal hereditary motor, autosomal recessive 4. Also called: Autosomal recessive lower motor neuron disease with childhood onset; NEUROPATHY, DISTAL HEREDITARY MOTOR, AUTOSOMAL RECESSIVE 4. Identifiers: Orphanet 206580, MedGen C1970211, MONDO:0012608, OMIM 611067.

Allele frequency attached by ClinVar (database versions not stated): gnomAD 0.00001.
gnomAD v4.1: 6 of 1,601,788 alleles (0.00037%); highest among the groups gnomAD compares: Non-Finnish European, 0.00051%; no homozygotes.

Submissions (2):

Ambry Genetics
Classification: Uncertain significance for Inborn genetic diseases. Last evaluated: 2025-08-22. Review status: criteria provided, single submitter. Criteria: Ambry Variant Classification Scheme 2023. Collection method: clinical testing. Allele origin: germline.

Labcorp Genetics (formerly Invitae), Labcorp
Classification: Uncertain significance for Neuronopathy, distal hereditary motor, autosomal recessive 4; Charcot-Marie-Tooth disease recessive intermediate C. Last evaluated: 2021-08-26. Review status: criteria provided, single submitter. Criteria: Invitae Variant Classification Sherloc (09022015). Collection method: clinical testing. Allele origin: germline.
Comment: This sequence change replaces lysine with glutamic acid at codon 98 of the PLEKHG5 protein (p.Lys98Glu). The lysine residue is moderately conserved and there is a small physicochemical difference between lysine and glutamic acid. This variant is not present in population databases (ExAC no frequency). This variant has not been reported in the literature in individuals affected with PLEKHG5-related conditions. Algorithms developed to predict the effect of missense changes on protein structure and function (SIFT, PolyPhen-2, Align-GVGD) all suggest that this variant is likely to be tolerated. In summary, the available evidence is currently insufficient to determine the role of this variant in disease. Therefore, it has been classified as a Variant of Uncertain Significance.